The following is an entry in ClinVar:

ClinVar aggregate classification (germline): Likely pathogenic (1 of 4 stars; one submission).

Conditions:
X-linked Alport syndrome (ATS1). Also called: NEPHROPATHY AND DEAFNESS, X-LINKED; COL4A5-Related Nephropathy. Identifiers: Orphanet 63, Orphanet 88917, MedGen C4746986, MONDO:0010520, OMIM 301050.

Submission:

Centre de Génétique Humaine, Institut de Pathologie Et de Génétique
Classification: Likely pathogenic for X-linked Alport syndrome. Last evaluated: 2026-08-28. Review status: criteria provided, single submitter. Criteria: ACMG Guidelines, 2015. Collection method: clinical testing. Allele origin: germline. Inheritance: X-linked dominant inheritance. Affected: yes. Observed: 1 variant allele, 1 hemizygote. Segregation with disease not observed.
Comment: Variant located in the canonical acceptor splice site of intron 50 (PVS1). This variant is rare: absent in gnomAD v4.1.0 database (PM2).

NM_033380.3(COL4A5):c.4707-2A>G

Gene: COL4A5 (collagen type IV alpha 5 chain; plus strand). Cytogenetic location: Xq22.3.
Variant type: single nucleotide variant.
Coding change: c.4707-2A>G on transcript NM_033380.3 (MANE Select); the canonical splice acceptor site of the intron before coding-DNA position 4707, A replaced by G.
Molecular consequence: splice acceptor variant.
Genome position (GRCh38, 1-based): chrX:108,694,805, A>G. VCF-style: chrX-108694805-A-G. GRCh37 (hg19) VCF-style: chrX-107938035-A-G.
Other names: c.4689-2A>G (NM_000495.5).
Identifiers: ClinVar variation 5041998 (VCV005041998.1).